The following is an entry in ClinVar:

ClinVar aggregate classification (germline): Pathogenic/Likely pathogenic. Review status: criteria provided, multiple submitters, no conflicts (2 of 4 stars). 10 submissions from 10 submitters: Pathogenic (6); Likely pathogenic (1). 3 of the submissions do not count toward it. Last evaluated 2026-07-13.

Conditions:
RP2-related disorder. Also called: RP2-related condition.
Retinal dystrophy. Also called: Inherited retinal dystrophy. Identifiers: Orphanet 71862, MedGen C0854723, MeSH D058499, MONDO:0019118, HP:0000556.
Retinitis pigmentosa 2 (RP2). Also called: Retinitis pigmentosa 2, X linked. Identifiers: Orphanet 791, MedGen C2681923, MONDO:0010723, OMIM 312600.
X-linked retinitis pigmentosa. Identifiers: MedGen C0339528.
Retinitis pigmentosa (RP). Identifiers: Orphanet 791, MedGen C0035334, MeSH D012174, MONDO:0019200, OMIM 268000. Inheritance: Autosomal dominant, autosomal recessive and X linked inheritance.

Submissions (10):

PreventionGenetics, part of Exact Sciences
Classification: Pathogenic for RP2-related condition. Last evaluated: 2026-07-13. Review status: criteria provided, single submitter. Criteria: ACMG Guidelines, 2015. Collection method: clinical testing. Allele origin: germline.
Comment: The RP2 c.352C>T variant is predicted to result in the amino acid substitution p.Arg118Cys. This variant has been reported many times in individuals with retinitis pigmentosa (see for examples: Bader et al. 2003. PubMed ID: 12657579; Table S2, Carss et al. 2016. PubMed ID: 28041643; Table S2, Gao et al. 2019. PubMed ID: 31054281). An alternate nucleotide change impacting this amino acid position (p.Arg118His) has been reported in individuals with retinal disease (see for example: Schwahn et al. 1998. PubMed ID: 9697692; Zhou et al. 2018. PubMed ID: 29453956). This variant is absent in a large population database (gnomAD), indicating this variant is rare. This variant is interpreted as pathogenic.

Labcorp Genetics (formerly Invitae), Labcorp
Classification: Pathogenic. Last evaluated: 2025-08-24. Review status: criteria provided, single submitter. Criteria: Invitae Variant Classification Sherloc (09022015). Collection method: clinical testing. Allele origin: germline.
Comment: This sequence change replaces arginine, which is basic and polar, with cysteine, which is neutral and slightly polar, at codon 118 of the RP2 protein (p.Arg118Cys). This variant is not present in population databases (gnomAD no frequency). This missense change has been observed in individuals with inherited retinal disease (PMID: 12657579, 28041643, 31456290). ClinVar contains an entry for this variant (Variation ID: 437944). Invitae Evidence Modeling of protein sequence and biophysical properties (such as structural, functional, and spatial information, amino acid conservation, physicochemical variation, residue mobility, and thermodynamic stability) indicates that this missense variant is expected to disrupt RP2 protein function with a positive predictive value of 95%. Experimental studies have shown that this missense change does not substantially affect RP2 function (PMID: 28209709). This variant disrupts the p.Arg118 amino acid residue in RP2. Other variant(s) that disrupt this residue have been determined to be pathogenic (PMID: 9697692, 12657579, 20021257). This suggests that this residue is clinically significant, and that variants that disrupt this residue are likely to be disease-causing. For these reasons, this variant has been classified as Pathogenic.

3billion
Classification: Pathogenic for Retinitis pigmentosa 2. Last evaluated: 2022-09-01. Review status: criteria provided, single submitter. Criteria: ACMG Guidelines, 2015. Collection method: clinical testing. Allele origin: germline. Affected: yes. Observed: 1 hemizygote.
Comment: The variant is not observed in the gnomAD v2.1.1 dataset. In silico tool predictions suggest damaging effect of the variant on gene or gene product (REVEL: 0.91; 3Cnet: 0.96). The variant has been observed in multiple (>3) similarly affected unrelated individuals (PMID: 12657579 , 28041643 , 31456290). A different missense change at the same codon (p.Arg118His) has been reported as pathogenic/likely pathogenic with strong evidence (ClinVar ID: VCV000010546). Therefore, this variant is classified as Pathogenic according to the recommendation of ACMG/AMP guideline.

Blueprint Genetics
Classification: Pathogenic for RP2-related disorders. Last evaluated: 2021-09-23. Review status: criteria provided, single submitter. Criteria: ACMG Guidelines, 2015. Collection method: clinical testing. Allele origin: germline. Affected: yes. Observed: 5 variant alleles.

Institute of Medical Genetics and Applied Genomics, University Hospital Tübingen
Classification: Pathogenic. Last evaluated: 2020-10-23. Review status: criteria provided, single submitter. Criteria: ACMG Guidelines, 2015. Collection method: clinical testing. Allele origin: germline. Inheritance: Unknown mechanism. Affected: yes.

CeGaT Center for Human Genetics Tuebingen
Classification: Pathogenic. Last evaluated: 2018-12-01. Review status: criteria provided, single submitter. Criteria: CeGaT Center For Human Genetics Tuebingen Variant Classification Criteria Version 2. Collection method: clinical testing. Allele origin: germline. Affected: yes. Observed: 2 variant alleles.

Institute of Human Genetics, Univ. Regensburg, Univ. Regensburg
Classification: Likely pathogenic for Retinal dystrophy. Last evaluated: 2017-01-01. Review status: criteria provided, single submitter. Criteria: ACMG Guidelines, 2015. Collection method: clinical testing. Allele origin: germline. Affected: yes.

Sharon lab, Hadassah-Hebrew University Medical Center
Classification: Pathogenic for Retinitis pigmentosa. Last evaluated: 2019-06-23. Review status: no assertion criteria provided. Collection method: research. Allele origin: inherited. Affected: yes. Not counted in ClinVar's aggregate classification.

Faculty of Health Sciences, Beirut Arab University
Classification: Pathogenic for X-linked retinitis pigmentosa. Last evaluated: 2015-09-10. Review status: no assertion criteria provided. Collection method: literature only. Allele origin: germline. Affected: yes. Observed: 1 variant allele. Not counted in ClinVar's aggregate classification.

NIHR Bioresource Rare Diseases, University of Cambridge
Classification: Likely pathogenic for Retinal dystrophy. Last evaluated: 2015-01-01. Review status: no assertion criteria provided. Collection method: research. Allele origin: unknown. Affected: yes. Observed: 1 variant allele. Not counted in ClinVar's aggregate classification.

Literature cited by the submitters: PubMed 12657579 (cited by 4 submitters); PubMed 28041643 (cited by 4 submitters); PubMed 31456290 (cited by 3 submitters); PubMed 28209709 (cited by Labcorp Genetics (formerly Invitae), Labcorp and Institute of Human Genetics, Univ. Regensburg, Univ. Regensburg); PubMed 9697692 (cited by Labcorp Genetics (formerly Invitae), Labcorp); PubMed 20021257 (cited by Labcorp Genetics (formerly Invitae), Labcorp); PubMed 31054281 (cited by Institute of Human Genetics, Univ. Regensburg, Univ. Regensburg); PubMed 32581362 (cited by Institute of Human Genetics, Univ. Regensburg, Univ. Regensburg); PubMed 32531858 (cited by Institute of Human Genetics, Univ. Regensburg, Univ. Regensburg); PubMed 33411470 (cited by Institute of Human Genetics, Univ. Regensburg, Univ. Regensburg); PubMed 36284460 (cited by Institute of Human Genetics, Univ. Regensburg, Univ. Regensburg); PubMed 36819107 (cited by Institute of Human Genetics, Univ. Regensburg, Univ. Regensburg); PubMed 26355662 (cited by Faculty of Health Sciences, Beirut Arab University).

NM_006915.3(RP2):c.352C>T (p.Arg118Cys)

Gene: RP2 (RP2 activator of ARL3 GTPase; plus strand). Cytogenetic location: Xp11.3.
Variant type: single nucleotide variant.
Coding change: c.352C>T on transcript NM_006915.3 (MANE Select); coding-DNA position 352, C replaced by T.
Protein change: p.Arg118Cys; replaces arginine 118 with cysteine.
Molecular consequence: missense variant.
Genome position (GRCh38, 1-based): chrX:46,853,725, C>T. VCF-style: chrX-46853725-C-T. GRCh37 (hg19) VCF-style: chrX-46713160-C-T.
Other names: short protein forms R118C.
Identifiers: ClinVar variation 437944 (VCV000437944.56), dbSNP rs1556318633, ClinGen allele CA413039367.